The following is an entry in ClinVar:

NM_017791.3(FLVCR2):c.890A>G (p.Tyr297Cys)

Gene: FLVCR2 (FLVCR choline and putative heme transporter 2; plus strand). Cytogenetic location: 14q24.3.
Variant type: single nucleotide variant.
Coding change: c.890A>G on transcript NM_017791.3 (MANE Select); coding-DNA position 890, A replaced by G.
Protein change: p.Tyr297Cys; replaces tyrosine 297 with cysteine.
Molecular consequence: missense variant.
Genome position (GRCh38, 1-based): chr14:75,624,690, A>G. VCF-style: chr14-75624690-A-G. GRCh37 (hg19) VCF-style: chr14-76091033-A-G.
Other names: c.275A>G, p.Tyr92Cys (NM_001195283.2); short protein forms Y297C, Y92C.
Identifiers: ClinVar variation 1920588 (VCV001920588.5), dbSNP rs140848651, ClinGen allele CA7278346.
Genomic context (GRCh38, chr14:75,624,690, plus strand): 5'-AATATCCCCCCAGCAGGGCCCAATCCCTGAGCTATGCCTTGACCTCTCCTGATGCCTCAT[A>G]CTTAGGTTCCATCGCCCGGCTCTTCAAAAATCTCAACTTTGTGCTGCTTGTCATCACCTA-3'
Protein context (NP_060261.2, residues 287-307): SYALTSPDAS[Tyr297Cys]LGSIARLFKN

ClinVar aggregate classification (germline): Uncertain significance (1 of 4 stars; one submission).

Allele frequency attached by ClinVar (database versions not stated): gnomAD exomes 0.00001; ExAC 0.00002; gnomAD 0.00002; TOPMed 0.00002; ESP Exome Variant Server 0.00008.
gnomAD v4.1: 7 of 1,613,930 alleles (0.00043%); highest among the groups gnomAD compares: African/African-American, 0.0094%; no homozygotes.

Submission:

Labcorp Genetics (formerly Invitae), Labcorp
Classification: Uncertain significance. Last evaluated: 2022-04-30. Review status: criteria provided, single submitter. Criteria: Invitae Variant Classification Sherloc (09022015). Collection method: clinical testing. Allele origin: germline.
Comment: This variant is present in population databases (rs140848651, gnomAD 0.01%). This variant has not been reported in the literature in individuals affected with FLVCR2-related conditions. Algorithms developed to predict the effect of missense changes on protein structure and function (SIFT, PolyPhen-2, Align-GVGD) all suggest that this variant is likely to be disruptive. In summary, the available evidence is currently insufficient to determine the role of this variant in disease. Therefore, it has been classified as a Variant of Uncertain Significance. This sequence change replaces tyrosine, which is neutral and polar, with cysteine, which is neutral and slightly polar, at codon 297 of the FLVCR2 protein (p.Tyr297Cys).